The following is an entry in ClinVar:

NM_004655.4(AXIN2):c.1201-18T>C

Gene: AXIN2 (axin 2; minus strand). Cytogenetic location: 17q24.1.
Variant type: single nucleotide variant.
Coding change: c.1201-18T>C on transcript NM_004655.4 (MANE Select); 18 bases into the intron before coding-DNA position 1201, T replaced by C.
Molecular consequence: intron variant.
Genome position (GRCh38, 1-based): chr17:65,537,853, A>G on the plus strand (T>C on the coding strand, the complement: AXIN2 is on the minus strand). VCF-style: chr17-65537853-A-G. GRCh37 (hg19) VCF-style: chr17-63533971-A-G.
Other names: c.1201-18T>C (NM_001363813.1).
Identifiers: ClinVar variation 2830403 (VCV002830403.4), dbSNP rs1239909858, ClinGen allele CA2739268316.

ClinVar aggregate classification (germline): Likely benign. Review status: criteria provided, multiple submitters, no conflicts (2 of 4 stars). 2 submissions from 2 submitters: Likely benign (2). Last evaluated 2024-07-01.

Conditions:
Oligodontia-cancer predisposition syndrome. Also called: TOOTH AGENESIS-COLORECTAL CANCER SYNDROME. Identifiers: Orphanet 300576, MedGen C1837750, MONDO:0012075, OMIM 608615. Disease mechanism: loss of function.

Submissions (2):

Myriad Genetics, Inc.
Classification: Likely benign for Oligodontia-cancer predisposition syndrome. Last evaluated: 2024-07-01. Review status: criteria provided, single submitter. Criteria: Myriad Autosomal Dominant, Autosomal Recessive and X-Linked Classification Criteria (2023). Collection method: clinical testing. Allele origin: unknown.
Comment: This variant is considered likely benign. This variant is intronic and is not expected to impact mRNA splicing.

Labcorp Genetics (formerly Invitae), Labcorp
Classification: Likely benign for Oligodontia-cancer predisposition syndrome. Last evaluated: 2023-01-20. Review status: criteria provided, single submitter. Criteria: Invitae Variant Classification Sherloc (09022015). Collection method: clinical testing. Allele origin: germline.